The following is an entry in ClinVar:

ClinVar aggregate classification (germline): Uncertain significance. Review status: criteria provided, multiple submitters, no conflicts (2 of 4 stars). 3 submissions from 3 submitters: Uncertain significance (2). 1 of the submissions does not count toward it. Last evaluated 2025-01-09.

Conditions:
ALPL-related disorder. Also called: ALPL-related disorders; ALPL-related condition.
Infantile hypophosphatasia. Identifiers: Orphanet 247651, Orphanet 436, MedGen C0268412, MONDO:1010169, OMIM 241500, MONDO:0009427.

Submissions (3):

PreventionGenetics, part of Exact Sciences
Classification: Uncertain significance for ALPL-related condition. Last evaluated: 2025-01-09. Review status: criteria provided, single submitter. Criteria: ACMG Guidelines, 2015. Collection method: clinical testing. Allele origin: germline.
Comment: The ALPL c.598G>A variant is predicted to result in the amino acid substitution p.Gly200Ser. To our knowledge, this variant has not been reported in the literature or in a large population database (gnomAD), indicating this variant is rare. At this time, the clinical significance of this variant is uncertain due to the absence of conclusive functional and genetic evidence.

Labcorp Genetics (formerly Invitae), Labcorp
Classification: Uncertain significance. Last evaluated: 2024-12-23. Review status: criteria provided, single submitter. Criteria: Invitae Variant Classification Sherloc (09022015). Collection method: clinical testing. Allele origin: germline.
Comment: This sequence change replaces glycine, which is neutral and non-polar, with serine, which is neutral and polar, at codon 200 of the ALPL protein (p.Gly200Ser). This variant is not present in population databases (gnomAD no frequency). This variant has not been reported in the literature in individuals affected with ALPL-related conditions. ClinVar contains an entry for this variant (Variation ID: 635465). Invitae Evidence Modeling of protein sequence and biophysical properties (such as structural, functional, and spatial information, amino acid conservation, physicochemical variation, residue mobility, and thermodynamic stability) indicates that this missense variant is expected to disrupt ALPL protein function with a positive predictive value of 95%. In summary, the available evidence is currently insufficient to determine the role of this variant in disease. Therefore, it has been classified as a Variant of Uncertain Significance.

Bioscientia Institut fuer Medizinische Diagnostik GmbH, Sonic Healthcare
Classification: Likely pathogenic for Infantile hypophosphatasia. Last evaluated: 2018-12-12. Review status: no assertion criteria provided. Collection method: clinical testing. Allele origin: germline. Affected: yes. Not counted in ClinVar's aggregate classification.

NM_000478.6(ALPL):c.598G>A (p.Gly200Ser)

Gene: ALPL (alkaline phosphatase, biomineralization associated; plus strand). Cytogenetic location: 1p36.12.
Variant type: single nucleotide variant.
Coding change: c.598G>A on transcript NM_000478.6 (MANE Select); coding-DNA position 598, G replaced by A.
Protein change: p.Gly200Ser; replaces glycine 200 with serine.
Molecular consequence: missense variant.
Genome position (GRCh38, 1-based): chr1:21,564,166, G>A. VCF-style: chr1-21564166-G-A. GRCh37 (hg19) VCF-style: chr1-21890659-G-A.
Other names: c.598G>A (NM_000478.5); c.433G>A, p.Gly145Ser (NM_001127501.4); c.367G>A, p.Gly123Ser (NM_001177520.3); c.598G>A, p.Gly200Ser (NM_001369803.2, NM_001369804.2, NM_001369805.2); short protein forms G200S, G123S, G145S.
Identifiers: ClinVar variation 635465 (VCV000635465.5), dbSNP rs1570276921, ClinGen allele CA338878240.